The following is an entry in ClinVar:

ClinVar aggregate classification (germline): Benign. Review status: criteria provided, multiple submitters, no conflicts (2 of 4 stars). 7 submissions from 7 submitters: Benign (5). 2 of the submissions do not count toward it. Last evaluated 2024-11-27.

Conditions:
Autosomal recessive nonsyndromic hearing loss 16. Also called: DFNB16 Nonsyndromic Hearing Loss and Deafness; DEAFNESS, AUTOSOMAL RECESSIVE 16. Identifiers: Orphanet 90636, MedGen C1863561, MONDO:0011364, OMIM 603720.

Allele frequency attached by ClinVar (database versions not stated): gnomAD exomes 0.10970 and 0.15321; ExAC 0.15952; ESP Exome Variant Server 0.21271; gnomAD 0.22156 and 0.22423; TOPMed 0.24833; 1000 Genomes Project 0.29413; 1000 Genomes Project 30x 0.29606.
gnomAD v4.1: 191,632 of 1,579,662 alleles (12%); highest among the groups gnomAD compares: African/African-American, 50%; 21,931 homozygotes.

Submissions (7):

Blueprint Genetics
Classification: Benign. Last evaluated: 2024-11-27. Review status: criteria provided, single submitter. Criteria: ACMG Guidelines, 2015. Collection method: clinical testing. Allele origin: germline.

GeneDx
Classification: Benign. Last evaluated: 2018-07-09. Review status: criteria provided, single submitter. Criteria: GeneDx Variant Classification Process June 2021. Collection method: clinical testing. Allele origin: germline. Affected: yes.

Laboratory for Molecular Medicine, Mass General Brigham Personalized Medicine
Classification: Benign. Last evaluated: 2012-05-07. Review status: criteria provided, single submitter. Criteria: LMM Criteria. Collection method: clinical testing. Allele origin: germline. Observed: 330 variant alleles.
Comment: 4845-13T>C in Intron 25 of STRC: This variant is not expected to have clinical s ignificance because it has been identified in 42.3% (1581/3738) of African Ameri can chromosomes from a broad population by the NHLBI Exome Sequencing Project (dbSNP rs12437957).

Breakthrough Genomics
Classification: Benign. Review status: criteria provided, single submitter. Criteria: ACMG Guidelines, 2015. Collection method: not provided. Allele origin: germline. Inheritance: Autosomal recessive inheritance. Affected: yes.

Genome-Nilou Lab
Classification: Benign for Autosomal recessive nonsyndromic hearing loss 16. Review status: criteria provided, single submitter. Criteria: ACMG Guidelines, 2015. Collection method: clinical testing. Allele origin: germline.

Diagnostic Laboratory, Department of Genetics, University Medical Center Groningen
Classification: Benign. Review status: no assertion criteria provided. Collection method: clinical testing. Allele origin: germline. Affected: yes. Study: VKGL Data-share Consensus. Not counted in ClinVar's aggregate classification.

Joint Genome Diagnostic Labs from Nijmegen and Maastricht, Radboudumc and MUMC+
Classification: Benign. Review status: no assertion criteria provided. Collection method: clinical testing. Allele origin: germline. Affected: yes. Study: VKGL Data-share Consensus. Not counted in ClinVar's aggregate classification.

NM_153700.2(STRC):c.4845-13T>C

Gene: STRC (stereocilin; minus strand). Cytogenetic location: 15q15.3.
Variant type: single nucleotide variant.
Coding change: c.4845-13T>C on transcript NM_153700.2 (MANE Select); 13 bases into the intron before coding-DNA position 4845, T replaced by C.
Molecular consequence: intron variant.
Genome position (GRCh38, 1-based): chr15:43,600,695, A>G on the plus strand (T>C on the coding strand, the complement: STRC is on the minus strand). VCF-style: chr15-43600695-A-G. GRCh37 (hg19) VCF-style: chr15-43892893-A-G.
Identifiers: ClinVar variation 178635 (VCV000178635.14), dbSNP rs12437957, ClinGen allele CA182707.